The following is an entry in ClinVar:

ClinVar aggregate classification (germline): Pathogenic (1 of 4 stars; one submission).

Submission:

Labcorp Genetics (formerly Invitae), Labcorp
Classification: Pathogenic. Last evaluated: 2023-06-23. Review status: criteria provided, single submitter. Criteria: Invitae Variant Classification Sherloc (09022015). Collection method: clinical testing. Allele origin: germline.
Comment: For these reasons, this variant has been classified as Pathogenic. This variant has not been reported in the literature in individuals affected with EYS-related conditions. This variant is not present in population databases (gnomAD no frequency). This sequence change creates a premature translational stop signal (p.Arg2664*) in the EYS gene. It is expected to result in an absent or disrupted protein product. Loss-of-function variants in EYS are known to be pathogenic (PMID: 18836446, 20333770).

Literature cited by the submitters: PubMed 18836446; PubMed 20333770.

NM_001142800.2(EYS):c.7990A>T (p.Arg2664Ter)

Gene: EYS (EGF-like photoreceptor maintenance factor; minus strand). Cytogenetic location: 6q12.
Variant type: single nucleotide variant.
Coding change: c.7990A>T on transcript NM_001142800.2 (MANE Select); coding-DNA position 7990, A replaced by T.
Protein change: p.Arg2664Ter; replaces arginine 2664 with a stop codon.
Molecular consequence: nonsense.
Genome position (GRCh38, 1-based): chr6:63,762,542, T>A on the plus strand (A>T on the coding strand, the complement: EYS is on the minus strand). VCF-style: chr6-63762542-T-A. GRCh37 (hg19) VCF-style: chr6-64472435-T-A.
Other names: c.7990A>T, p.Arg2664Ter (NM_001292009.2); short protein forms R2664*.
Identifiers: ClinVar variation 2725203 (VCV002725203.3), dbSNP rs1342358367, ClinGen allele CA364390170.